The following is an entry in ClinVar:

NM_020822.3(KCNT1):c.1136G>A (p.Ser379Asn)

Gene: KCNT1 (potassium sodium-activated channel subfamily T member 1; plus strand). Cytogenetic location: 9q34.3.
Variant type: single nucleotide variant.
Coding change: c.1136G>A on transcript NM_020822.3 (MANE Select); coding-DNA position 1136, G replaced by A.
Protein change: p.Ser379Asn; replaces serine 379 with asparagine.
Molecular consequence: missense variant.
Genome position (GRCh38, 1-based): chr9:135,765,131, G>A. VCF-style: chr9-135765131-G-A. GRCh37 (hg19) VCF-style: chr9-138656977-G-A.
Other names: c.1001G>A, p.Ser334Asn (NM_001272003.2); short protein forms S334N, S379N.
Identifiers: ClinVar variation 999973 (VCV000999973.7), dbSNP rs1481122214, ClinGen allele CA375500231.

ClinVar aggregate classification (germline): Pathogenic (1 of 4 stars; one submission).

Conditions:
Autosomal dominant nocturnal frontal lobe epilepsy 5. Also called: KCNT1-Related Epilepsy; CILIARY DYSKINESIA, PRIMARY, 28, WITHOUT SITUS INVERSUS; CILIARY DYSKINESIA, PRIMARY, 28, WITH SITUS INVERSUS; Epilepsy, nocturnal frontal lobe, 5. Identifiers: Orphanet 98784, MedGen C3554306, MONDO:0014002, OMIM 615005.
Developmental and epileptic encephalopathy, 14 (DEE14). Also called: Early infantile epileptic encephalopathy 14. Identifiers: Orphanet 293181, MedGen C3554195, MONDO:0013989, OMIM 614959.

Submission:

Labcorp Genetics (formerly Invitae), Labcorp
Classification: Pathogenic for Autosomal dominant nocturnal frontal lobe epilepsy 5; Developmental and epileptic encephalopathy, 14. Last evaluated: 2021-10-08. Review status: criteria provided, single submitter. Criteria: Invitae Variant Classification Sherloc (09022015). Collection method: clinical testing. Allele origin: germline.
Comment: For these reasons, this variant has been classified as Pathogenic. Advanced modeling of protein sequence and biophysical properties (such as structural, functional, and spatial information, amino acid conservation, physicochemical variation, residue mobility, and thermodynamic stability) performed at Invitae indicates that this missense variant is expected to disrupt KCNT1 protein function. ClinVar contains an entry for this variant (Variation ID: 999973). This missense change has been observed in individual(s) with clinical features of KCNT1-related conditions (Invitae). In at least one individual the variant was observed to be de novo. This variant is not present in population databases (ExAC no frequency). This sequence change replaces serine with asparagine at codon 379 of the KCNT1 protein (p.Ser379Asn). The serine residue is moderately conserved and there is a small physicochemical difference between serine and asparagine.